The following is an entry in ClinVar:

ClinVar aggregate classification (germline): Conflicting classifications of pathogenicity. Review status: criteria provided, conflicting classifications (1 of 4 stars). 2 submissions from 2 submitters: Uncertain significance (1); Likely benign (1). Last evaluated 2025-12-01.

Conditions:
Inborn genetic diseases. Identifiers: MedGen C0950123, MeSH D030342.

Allele frequency attached by ClinVar (database versions not stated): gnomAD 0.00002; TOPMed 0.00002; gnomAD exomes 0.00004; ExAC 0.00008; ESP Exome Variant Server 0.00008.

Submissions (2):

Labcorp Genetics (formerly Invitae), Labcorp
Classification: Uncertain significance. Last evaluated: 2025-12-01. Review status: criteria provided, single submitter. Criteria: Invitae Variant Classification Sherloc (09022015). Collection method: clinical testing. Allele origin: germline.
Comment: This sequence change replaces glycine, which is neutral and non-polar, with serine, which is neutral and polar, at codon 129 of the RORB protein (p.Gly129Ser). This variant is present in population databases (rs367543552, gnomAD 0.01%). This variant has not been reported in the literature in individuals affected with RORB-related conditions. ClinVar contains an entry for this variant (Variation ID: 2188938). An algorithm developed to predict the effect of missense changes on protein structure and function outputs the following: PolyPhen-2: "Benign". The serine amino acid residue is found in multiple mammalian species, which suggests that this missense change does not adversely affect protein function. In summary, the available evidence is currently insufficient to determine the role of this variant in disease. Therefore, it has been classified as a Variant of Uncertain Significance.

Ambry Genetics
Classification: Likely benign for Inborn genetic diseases. Last evaluated: 2025-08-25. Review status: criteria provided, single submitter. Criteria: Ambry Variant Classification Scheme 2023. Collection method: clinical testing. Allele origin: germline.

NM_006914.4(RORB):c.385G>A (p.Gly129Ser)

Gene: RORB (RAR related orphan receptor B; plus strand). Cytogenetic location: 9q21.13.
Variant type: single nucleotide variant.
Coding change: c.385G>A on transcript NM_006914.4 (MANE Select); coding-DNA position 385, G replaced by A.
Protein change: p.Gly129Ser; replaces glycine 129 with serine.
Molecular consequence: missense variant.
Genome position (GRCh38, 1-based): chr9:74,642,563, G>A. VCF-style: chr9-74642563-G-A. GRCh37 (hg19) VCF-style: chr9-77257479-G-A.
Other names: c.385G>A (NM_006914.3); c.418G>A, p.Gly140Ser (NM_001365023.1); short protein forms G129S, G140S.
Identifiers: ClinVar variation 2188938 (VCV002188938.5), dbSNP rs367543552, ClinGen allele CA5083357.
Genomic context (GRCh38, chr9:74,642,563, plus strand): 5'-CAGCAGCAGAGTGGGGAGGCAGAAGCCCTTGCCAGGGTGTACAGCAGCAGCATTAGCAAC[G>A]GCCTGAGCAACCTGAACAACGAGACCAGCGGCACTTATGCCAACGGGCACGTCATTGACC-3'
Protein context (NP_008845.2, residues 119-139): ARVYSSSISN[Gly129Ser]LSNLNNETSG